The following is an entry in ClinVar:

ClinVar aggregate classification (germline): Uncertain significance (1 of 4 stars; one submission).

Submission:

Labcorp Genetics (formerly Invitae), Labcorp
Classification: Uncertain significance. Last evaluated: 2024-02-24. Review status: criteria provided, single submitter. Criteria: Invitae Variant Classification Sherloc (09022015). Collection method: clinical testing. Allele origin: germline.
Comment: This sequence change replaces serine, which is neutral and polar, with arginine, which is basic and polar, at codon 2396 of the PCLO protein (p.Ser2396Arg). This variant is not present in population databases (gnomAD no frequency). This variant has not been reported in the literature in individuals affected with PCLO-related conditions. ClinVar contains an entry for this variant (Variation ID: 1471922). Experimental studies and prediction algorithms are not available or were not evaluated, and the functional significance of this variant is currently unknown. In summary, the available evidence is currently insufficient to determine the role of this variant in disease. Therefore, it has been classified as a Variant of Uncertain Significance.

NM_033026.6(PCLO):c.7188T>G (p.Ser2396Arg)

Gene: PCLO (piccolo presynaptic cytomatrix protein; minus strand). Cytogenetic location: 7q21.11.
Variant type: single nucleotide variant.
Coding change: c.7188T>G on transcript NM_033026.6 (MANE Select); coding-DNA position 7188, T replaced by G.
Protein change: p.Ser2396Arg; replaces serine 2396 with arginine.
Molecular consequence: missense variant.
Genome position (GRCh38, 1-based): chr7:82,953,765, A>C on the plus strand (T>G on the coding strand, the complement: PCLO is on the minus strand). VCF-style: chr7-82953765-A-C. GRCh37 (hg19) VCF-style: chr7-82583081-A-C.
Other names: c.7188T>G, p.Ser2396Arg (NM_014510.3); short protein forms S2396R.
Identifiers: ClinVar variation 1471922 (VCV001471922.8), dbSNP rs2116442568, ClinGen allele CA367917503.
Genomic context (GRCh38, chr7:82,953,765, plus strand): 5'-AGGAGGAGGAGGGGGAGGGGGAGGAGGGGGAGGAGGTTGAGCTGATATATCCAAAGAAGA[A>C]CTTCTAAAGAATGGGCGAGGTTTAGCTGGAAGAGAGGAAACAGAAGGACTGCCAGATGGT-3'
Protein context (NP_149015.2, residues 2386-2406): LPAKPRPFFR[Ser2396Arg]SSLDISAQPP